The following is an entry in ClinVar:

ClinVar aggregate classification (germline): Pathogenic/Likely pathogenic. Review status: criteria provided, multiple submitters, no conflicts (2 of 4 stars). 3 submissions from 3 submitters: Pathogenic (1); Likely pathogenic (2). Last evaluated 2026-01-26.

Conditions:
Deficiency of hyaluronoglucosaminidase (MPS9). Also called: HYALURONIDASE DEFICIENCY; MPS IX; Mucopolysaccharidosis type 9. Identifiers: Orphanet 67041, MedGen C1291490, MONDO:0011093, OMIM 601492.

Allele frequency attached by ClinVar (database versions not stated): gnomAD exomes 0.00001.

Submissions (3):

Labcorp Genetics (formerly Invitae), Labcorp
Classification: Pathogenic for Deficiency of hyaluronoglucosaminidase. Last evaluated: 2026-01-26. Review status: criteria provided, single submitter. Criteria: Invitae Variant Classification Sherloc (09022015). Collection method: clinical testing. Allele origin: germline.
Comment: This sequence change creates a premature translational stop signal (p.Arg196Alafs*14) in the HYAL1 gene. It is expected to result in an absent or disrupted protein product. Loss-of-function variants in HYAL1 are known to be pathogenic (PMID: 10339581, 21559944). This variant is not present in population databases (gnomAD no frequency). This variant has not been reported in the literature in individuals affected with HYAL1-related conditions. ClinVar contains an entry for this variant (Variation ID: 1070786). For these reasons, this variant has been classified as Pathogenic.

Natera, Inc.
Classification: Likely pathogenic for Mucopolysaccharidosis type IX. Last evaluated: 2025-08-05. Review status: criteria provided, single submitter. Criteria: Natera Variant Classification Schema (03/2026). Collection method: clinical testing. Allele origin: germline.
Comment: The c.586_598delCGCGGCCTCTGGG variant in HYAL1 is a frameshift variant predicted to shift the reading frame beginning at codon 196 and leads to a stop codon 14 codons downstream. This variant is expected to result in nonsense mediated decay, truncation, or a dysfunctional protein product. This variant is rare in the general population with a frequency below the threshold expected for the associated phenotype(s). Given the available evidence, this variant is classified as Likely Pathogenic.

Women's Health and Genetics/Laboratory Corporation of America, LabCorp
Classification: Likely pathogenic for Deficiency of hyaluronoglucosaminidase. Last evaluated: 2023-02-20. Review status: criteria provided, single submitter. Criteria: LabCorp Variant Classification Summary - May 2015. Collection method: clinical testing. Allele origin: germline.
Comment: Variant summary: HYAL1 c.586_598del13 (p.Arg196AlafsX14) results in a premature termination codon, predicted to cause a truncation of the encoded protein or absence of the protein due to nonsense mediated decay, which are commonly known mechanisms for disease. Truncations downstream of this position are classified as pathogenic in ClinVar. The variant was absent in 250238 control chromosomes. To our knowledge, no occurrence of c.586_598del13 in individuals affected with Deficiency Of Hyaluronoglucosaminidase and no experimental evidence demonstrating its impact on protein function have been reported. One submitter has provided a clinical-significance assessment for this variant to ClinVar after 2014, and classified the variant as pathogenic. Based on the evidence outlined above, the variant was classified as likely pathogenic.

Literature cited by the submitters: PubMed 10339581 (cited by Labcorp Genetics (formerly Invitae), Labcorp); PubMed 21559944 (cited by Labcorp Genetics (formerly Invitae), Labcorp).

NM_033159.4(HYAL1):c.586_598del (p.Arg196fs)

Gene: HYAL1 (hyaluronidase 1; minus strand). Cytogenetic location: 3p21.31.
Variant type: Deletion.
Coding change: c.586_598del on transcript NM_033159.4 (MANE Select); coding-DNA positions 586 to 598, 13 bases deleted (CGCGGCCTCTGGG).
Protein change: p.Arg196fs; shifts the reading frame from arginine 196.
Molecular consequence: frameshift variant. On other transcripts: non-coding transcript variant (1), intron variant (1).
Genome position (GRCh38, 1-based): chr3:50,302,359-50,302,371, CCCAGAGGCCGCG deleted on the plus strand (CGCGGCCTCTGGG on the coding strand, the reverse complement: HYAL1 is on the minus strand). VCF-style (leftmost placement, unchanged base first): chr3-50302358-CCCCAGAGGCCGCG-C. GRCh37 (hg19) VCF-style: chr3-50339789-CCCCAGAGGCCGCG-C.
Other names: c.586_598del, p.Arg196fs (NM_153281.2, NM_153282.3); c.40_52del, p.Arg14fs (NM_153283.3); c.-26-166_-26-154del (NM_153285.3); c.586_598delCGCGGCCTCTGGG (NM_153281.1); c.586_598del13 (NM_153281.1); short protein forms R14fs, R196fs.
Identifiers: ClinVar variation 1070786 (VCV001070786.6), dbSNP rs1702201097, ClinGen allele CA1363888930.